The following is an entry in ClinVar:

ClinVar aggregate classification (germline): Uncertain significance (1 of 4 stars; one submission).

Submission:

GeneDx
Classification: Uncertain significance. Last evaluated: 2024-01-29. Review status: criteria provided, single submitter. Criteria: GeneDx Variant Classification Process June 2021. Collection method: clinical testing. Allele origin: germline. Affected: yes.
Comment: Not observed at significant frequency in large population cohorts (gnomAD); In silico analysis supports that this missense variant does not alter protein structure/function; Has not been previously published as pathogenic or benign to our knowledge

NM_003235.5(TG):c.5083A>G (p.Thr1695Ala)

Gene: TG (thyroglobulin; plus strand). Cytogenetic location: 8q24.22.
Variant type: single nucleotide variant.
Coding change: c.5083A>G on transcript NM_003235.5 (MANE Select); coding-DNA position 5083, A replaced by G.
Protein change: p.Thr1695Ala; replaces threonine 1695 with alanine.
Molecular consequence: missense variant.
Genome position (GRCh38, 1-based): chr8:132,941,392, A>G. VCF-style: chr8-132941392-A-G. GRCh37 (hg19) VCF-style: chr8-133953637-A-G.
Other names: short protein forms T1695A.
Identifiers: ClinVar variation 3368453 (VCV003368453.1).